The following is an entry in ClinVar:

ClinVar aggregate classification (germline): Uncertain significance (1 of 4 stars; one submission).

Conditions:
Gorlin syndrome. Also called: Nevoid Basal Cell Carcinoma Syndrome; Basal cell nevus syndrome. Identifiers: Orphanet 377, MedGen C0004779, MONDO:0007187.
Medulloblastoma (MDB). Also called: Medulloblastoma, somatic; MEDULLOBLASTOMA PREDISPOSITION SYNDROME. Identifiers: Orphanet 616, MedGen C0025149, MeSH D008527, MONDO:0007959, OMIM 155255, HP:0002885.

Submission:

Labcorp Genetics (formerly Invitae), Labcorp
Classification: Uncertain significance for Gorlin syndrome; Medulloblastoma. Last evaluated: 2024-02-12. Review status: criteria provided, single submitter. Criteria: Invitae Variant Classification Sherloc (09022015). Collection method: clinical testing. Allele origin: germline.
Comment: This sequence change replaces glycine, which is neutral and non-polar, with arginine, which is basic and polar, at codon 428 of the SUFU protein (p.Gly428Arg). This variant is not present in population databases (gnomAD no frequency). This variant has not been reported in the literature in individuals affected with SUFU-related conditions. Advanced modeling of protein sequence and biophysical properties (such as structural, functional, and spatial information, amino acid conservation, physicochemical variation, residue mobility, and thermodynamic stability) performed at Invitae indicates that this missense variant is expected to disrupt SUFU protein function with a positive predictive value of 80%. In summary, the available evidence is currently insufficient to determine the role of this variant in disease. Therefore, it has been classified as a Variant of Uncertain Significance.

NM_016169.4(SUFU):c.1282G>A (p.Gly428Arg)

Gene: SUFU (SUFU negative regulator of hedgehog signaling; plus strand). Cytogenetic location: 10q24.32.
Variant type: single nucleotide variant.
Coding change: c.1282G>A on transcript NM_016169.4 (MANE Select); coding-DNA position 1282, G replaced by A.
Protein change: p.Gly428Arg; replaces glycine 428 with arginine.
Molecular consequence: missense variant.
Genome position (GRCh38, 1-based): chr10:102,617,414, G>A. VCF-style: chr10-102617414-G-A. GRCh37 (hg19) VCF-style: chr10-104377171-G-A.
Other names: c.1282G>A, p.Gly428Arg (NM_001178133.2); short protein forms G428R.
Identifiers: ClinVar variation 3754592 (VCV003754592.2).